The following is an entry in ClinVar:

NM_024753.5(TTC21B):c.2211+13A>G

Gene: TTC21B (tetratricopeptide repeat domain 21B; minus strand). Cytogenetic location: 2q24.3.
Variant type: single nucleotide variant.
Coding change: c.2211+13A>G on transcript NM_024753.5 (MANE Select); 13 bases into the intron after coding-DNA position 2211, A replaced by G.
Molecular consequence: intron variant.
Genome position (GRCh38, 1-based): chr2:165,913,561, T>C on the plus strand (A>G on the coding strand, the complement: TTC21B is on the minus strand). VCF-style: chr2-165913561-T-C. GRCh37 (hg19) VCF-style: chr2-166770071-T-C.
Identifiers: ClinVar variation 261773 (VCV000261773.18), dbSNP rs73969727, ClinGen allele CA1941903.

ClinVar aggregate classification (germline): Benign. Review status: criteria provided, multiple submitters, no conflicts (2 of 4 stars). 9 submissions from 8 submitters: Benign (7). 2 of the submissions do not count toward it. Last evaluated 2026-02-01.

Conditions:
Jeune thoracic dystrophy. Also called: Jeune syndrome; Infantile thoracic dystrophy; Thoracic pelvic phalangeal dystrophy; Jeune's syndrome; Chondroectodermal dysplasia-like syndrome; Short-rib thoracic dysplasia. Identifiers: Orphanet 474, MedGen C0265275, MONDO:0018770.
Nephronophthisis. Also called: Juvenile Nephronophthisis. Identifiers: Orphanet 655, MedGen C0687120, MONDO:0019005, HP:0000090.
Nephronophthisis 12 (NPHP12). Identifiers: Orphanet 655, MedGen C3151186, MONDO:0013442, OMIM 613820.
Asphyxiating thoracic dystrophy 4 (SRTD4). Also called: SHORT-RIB THORACIC DYSPLASIA 4 WITH OR WITHOUT POLYDACTYLY; SHORT-RIB THORACIC DYSPLASIA 4. Identifiers: Orphanet 474, MedGen C3151185, MONDO:0013441, OMIM 613819.

Allele frequency attached by ClinVar (database versions not stated): gnomAD exomes 0.00359 and 0.00964; ExAC 0.01225; gnomAD 0.03804 and 0.04080; 1000 Genomes Project 0.04253; TOPMed 0.04322; ESP Exome Variant Server 0.04421; 1000 Genomes Project 30x 0.04685.
gnomAD v4.1: 11,186 of 1,585,854 alleles (0.71%); highest among the groups gnomAD compares: African/African-American, 13%; 644 homozygotes.

Submissions (9):

Labcorp Genetics (formerly Invitae), Labcorp
Classification: Benign for Jeune thoracic dystrophy; Nephronophthisis. Last evaluated: 2026-02-01. Review status: criteria provided, single submitter. Criteria: Invitae Variant Classification Sherloc (09022015). Collection method: clinical testing. Allele origin: germline.

Blueprint Genetics
Classification: Benign. Last evaluated: 2024-11-25. Review status: criteria provided, single submitter. Criteria: ACMG Guidelines, 2015. Collection method: clinical testing. Allele origin: germline.

Illumina Laboratory Services, Illumina
Classification: Benign for Nephronophthisis 12. Last evaluated: 2018-01-12. Review status: criteria provided, single submitter. Criteria: ICSL Variant Classification Criteria 13 December 2019. Collection method: clinical testing. Allele origin: germline.
Comment: This variant was observed in the ICSL laboratory as part of a predisposition screen in an ostensibly healthy population. It had not been previously curated by ICSL or reported in the Human Gene Mutation Database (HGMD: prior to June 1st, 2018), and was therefore a candidate for classification through an automated scoring system. Utilizing variant allele frequency, disease prevalence and penetrance estimates, and inheritance mode, an automated score was calculated to assess if this variant is too frequent to cause the disease. Based on the score and internal cut-off values, a variant classified as benign is not then subjected to further curation. The score for this variant resulted in a classification of benign for this disease.

Illumina Laboratory Services, Illumina
Classification: Benign for Asphyxiating thoracic dystrophy 4. Last evaluated: 2018-01-12. Review status: criteria provided, single submitter. Criteria: ICSL Variant Classification Criteria 13 December 2019. Collection method: clinical testing. Allele origin: germline.
Comment: the same text as in the submission from Illumina Laboratory Services, Illumina above.

GeneDx
Classification: Benign. Last evaluated: 2016-04-20. Review status: criteria provided, single submitter. Criteria: GeneDx Variant Classification (06012015). Collection method: clinical testing. Allele origin: germline. Affected: yes.
Comment: This variant is considered likely benign or benign based on one or more of the following criteria: it is a conservative change, it occurs at a poorly conserved position in the protein, it is predicted to be benign by multiple in silico algorithms, and/or has population frequency not consistent with disease.

Breakthrough Genomics
Classification: Benign. Review status: criteria provided, single submitter. Criteria: ACMG Guidelines, 2015. Collection method: not provided. Allele origin: germline. Inheritance: Autosomal recessive inheritance. Affected: yes.

PreventionGenetics, part of Exact Sciences
Classification: Benign. Review status: criteria provided, single submitter. Criteria: ACMG Guidelines, 2015. Collection method: clinical testing. Allele origin: germline.

Clinical Genetics DNA and cytogenetics Diagnostics Lab, Erasmus MC, Erasmus Medical Center
Classification: Benign. Review status: no assertion criteria provided. Collection method: clinical testing. Allele origin: germline. Affected: yes. Study: VKGL Data-share Consensus. Not counted in ClinVar's aggregate classification.

Genome Diagnostics Laboratory, University Medical Center Utrecht
Classification: Benign. Review status: no assertion criteria provided. Collection method: clinical testing. Allele origin: germline. Affected: yes. Study: VKGL Data-share Consensus. Not counted in ClinVar's aggregate classification.